The following is an entry in ClinVar:

NM_000264.5(PTCH1):c.1654_1655dup (p.Ile553fs)

Gene: PTCH1 (patched 1; minus strand). Cytogenetic location: 9q22.32.
Variant type: Duplication.
Coding change: c.1654_1655dup on transcript NM_000264.5 (MANE Select); coding-DNA positions 1654 to 1655, 2 bases duplicated (TC; older notation c.1654_1655dupTC).
Protein change: p.Ile553fs; shifts the reading frame from isoleucine 553.
Molecular consequence: frameshift variant. On other transcripts: non-coding transcript variant (1).
Genome position (GRCh38, 1-based): chr9:95,476,107-95,476,108, GA duplicated on the plus strand (TC on the coding strand, the reverse complement: PTCH1 is on the minus strand). VCF-style (leftmost placement, unchanged base first): chr9-95476106-G-GGA. GRCh37 (hg19) VCF-style: chr9-98238388-G-GGA.
Other names: c.1456_1457dup, p.Ile487fs (NM_001083602.3); c.1651_1652dup, p.Ile552fs (NM_001083603.3); c.1201_1202dup, p.Ile402fs (NM_001083604.3, NM_001083605.3, NM_001083606.3 and 1 more transcripts); c.1498_1499dup, p.Ile501fs (NM_001354918.2); short protein forms I402fs, I487fs, I501fs, I552fs, I553fs.
Identifiers: ClinVar variation 1075164 (VCV001075164.7), dbSNP rs2118255495, ClinGen allele CA2499220059.
Genomic context (GRCh38, chr9:95,476,106, plus strand): 5'-CGCCCGCAGAGCGGGAATTGGGATTAACGCGGCCATGAAGAAGGCTGTGACATTGCTGAT[G>GGA]GACGTGAGGGCCACGCTGGCTCCTGTGCGCTTCAGGCACTCCCCGGTCCTGTCCTGGGAA-3'

ClinVar aggregate classification (germline): Pathogenic (1 of 4 stars; one submission).

Conditions:
Gorlin syndrome. Also called: Basal cell nevus syndrome; Nevoid Basal Cell Carcinoma Syndrome. Identifiers: Orphanet 377, MedGen C0004779, MONDO:0007187.

Submission:

Labcorp Genetics (formerly Invitae), Labcorp
Classification: Pathogenic for Gorlin syndrome. Last evaluated: 2020-05-10. Review status: criteria provided, single submitter. Criteria: Invitae Variant Classification Sherloc (09022015). Collection method: clinical testing. Allele origin: germline.
Comment: For these reasons, this variant has been classified as Pathogenic. Loss-of-function variants in PTCH1 are known to be pathogenic (PMID: 16301862, 16419085). This variant has not been reported in the literature in individuals with PTCH1-related conditions. This variant is not present in population databases (ExAC no frequency). This sequence change creates a premature translational stop signal (p.Ile553Profs*13) in the PTCH1 gene. It is expected to result in an absent or disrupted protein product.

Literature cited by the submitters: PubMed 16301862; PubMed 16419085.